The following is an entry in ClinVar:

ClinVar aggregate classification (germline): Uncertain significance. Review status: criteria provided, multiple submitters, no conflicts (2 of 4 stars). 3 submissions from 3 submitters: Uncertain significance (3). Last evaluated 2022-09-07.

Conditions:
Muscular dystrophy-dystroglycanopathy (congenital with brain and eye anomalies), type A9. Also called: Muscular dystrophy-dystroglycanopathy (congenital with brain and eye anomalies), type a, 9; WALKER-WARBURG SYNDROME OR MUSCLE-EYE BRAIN DISEASE, DAG1-RELATED. Identifiers: Orphanet 370997, Orphanet 899, MedGen C4225291, MONDO:0014683, OMIM 616538.
Autosomal recessive limb-girdle muscular dystrophy type 2P. Also called: MUSCULAR DYSTROPHY-DYSTROGLYCANOPATHY, LIMB-GIRDLE, DAG1-RELATED; Limb-Girdle Muscular Dystrophy Type 9C; MUSCULAR DYSTROPHY, LIMB-GIRDLE, TYPE 2P. Identifiers: Orphanet 280333, MedGen C4511963, MONDO:0013440, OMIM 613818.
Inborn genetic diseases. Identifiers: MedGen C0950123, MeSH D030342.

Allele frequency attached by ClinVar (database versions not stated): gnomAD exomes below 0.00001 and 0.00002; gnomAD 0.00001; TOPMed 0.00003.
gnomAD v4.1: 36 of 1,613,976 alleles (0.0022%); highest among the groups gnomAD compares: Non-Finnish European, 0.003%; no homozygotes.

Submissions (3):

Ambry Genetics
Classification: Uncertain significance for Inborn genetic diseases. Last evaluated: 2022-09-07. Review status: criteria provided, single submitter. Criteria: Ambry Variant Classification Scheme 2023. Collection method: clinical testing. Allele origin: germline.

Labcorp Genetics (formerly Invitae), Labcorp
Classification: Uncertain significance for Autosomal recessive limb-girdle muscular dystrophy type 2P; Muscular dystrophy-dystroglycanopathy (congenital with brain and eye anomalies), type A9. Last evaluated: 2022-08-09. Review status: criteria provided, single submitter. Criteria: Invitae Variant Classification Sherloc (09022015). Collection method: clinical testing. Allele origin: germline.
Comment: This sequence change replaces proline, which is neutral and non-polar, with arginine, which is basic and polar, at codon 837 of the DAG1 protein (p.Pro837Arg). This variant is present in population databases (no rsID available, gnomAD 0.0009%). This variant has not been reported in the literature in individuals affected with DAG1-related conditions. ClinVar contains an entry for this variant (Variation ID: 286164). Algorithms developed to predict the effect of missense changes on protein structure and function are either unavailable or do not agree on the potential impact of this missense change (SIFT: "Deleterious"; PolyPhen-2: "Probably Damaging"; Align-GVGD: "Class C0"). In summary, the available evidence is currently insufficient to determine the role of this variant in disease. Therefore, it has been classified as a Variant of Uncertain Significance.

Eurofins Ntd Llc (ga)
Classification: Uncertain significance. Last evaluated: 2016-02-09. Review status: criteria provided, single submitter. Criteria: EGL Classification Definitions 2015. Collection method: clinical testing. Allele origin: germline. Observed: 2 variant alleles, 2 heterozygotes.

NM_004393.6(DAG1):c.2510C>G (p.Pro837Arg)

Gene: DAG1 (dystroglycan 1; plus strand). Cytogenetic location: 3p21.31.
Variant type: single nucleotide variant.
Coding change: c.2510C>G on transcript NM_004393.6 (MANE Select); coding-DNA position 2510, C replaced by G.
Protein change: p.Pro837Arg; replaces proline 837 with arginine.
Molecular consequence: missense variant.
Genome position (GRCh38, 1-based): chr3:49,533,021, C>G. VCF-style: chr3-49533021-C-G. GRCh37 (hg19) VCF-style: chr3-49570454-C-G.
Other names: c.2510C>G, p.Pro837Arg (NM_001165928.4, NM_001177634.3, NM_001177635.3 and 9 more transcripts); c.2510C>G (NM_004393.4); short protein forms P837R.
Identifiers: ClinVar variation 286164 (VCV000286164.10), dbSNP rs886043326, ClinGen allele CA10605382.